The following is an entry in ClinVar:

NM_006231.4(POLE):c.379A>G (p.Lys127Glu)

Gene: POLE (DNA polymerase epsilon, catalytic subunit; minus strand). Cytogenetic location: 12q24.33.
Variant type: single nucleotide variant.
Coding change: c.379A>G on transcript NM_006231.4 (MANE Select); coding-DNA position 379, A replaced by G.
Protein change: p.Lys127Glu; replaces lysine 127 with glutamic acid.
Molecular consequence: missense variant.
Genome position (GRCh38, 1-based): chr12:132,679,998, T>C on the plus strand (A>G on the coding strand, the complement: POLE is on the minus strand). VCF-style: chr12-132679998-T-C. GRCh37 (hg19) VCF-style: chr12-133256584-T-C.
Other names: short protein forms K127E.
Identifiers: ClinVar variation 1519114 (VCV001519114.8), dbSNP rs2136028882, ClinGen allele CA387368091.

ClinVar aggregate classification (germline): Uncertain significance (1 of 4 stars; one submission).

Submission:

Labcorp Genetics (formerly Invitae), Labcorp
Classification: Uncertain significance. Last evaluated: 2021-03-06. Review status: criteria provided, single submitter. Criteria: Invitae Variant Classification Sherloc (09022015). Collection method: clinical testing. Allele origin: germline.
Comment: In summary, the available evidence is currently insufficient to determine the role of this variant in disease. Therefore, it has been classified as a Variant of Uncertain Significance. Algorithms developed to predict the effect of missense changes on protein structure and function (SIFT, PolyPhen-2, Align-GVGD) all suggest that this variant is likely to be tolerated, but these predictions have not been confirmed by published functional studies and their clinical significance is uncertain. This variant has not been reported in the literature in individuals with POLE-related conditions. This variant is not present in population databases (ExAC no frequency). This sequence change replaces lysine with glutamic acid at codon 127 of the POLE protein (p.Lys127Glu). The lysine residue is moderately conserved and there is a small physicochemical difference between lysine and glutamic acid.